The following is an entry in ClinVar:

ClinVar aggregate classification (germline): Uncertain significance (1 of 4 stars; one submission).

Submission:

Mayo Clinic Laboratories, Mayo Clinic
Classification: Uncertain significance. Last evaluated: 2024-11-19. Review status: criteria provided, single submitter. Criteria: ACMG Guidelines, 2015. Collection method: clinical testing. Allele origin: germline. Observed: 2 variant alleles.
Comment: BP4

NM_001365276.2(TNXB):c.10970G>A (p.Arg3657His)

Genes: TNXB (tenascin XB; minus strand), LOC106780803 (tenascin XB recombination region; plus strand). Cytogenetic location: 6p21.33.
Variant type: single nucleotide variant.
Coding change: c.10970G>A on transcript NM_001365276.2 (MANE Select); coding-DNA position 10970, G replaced by A.
Protein change: p.Arg3657His; replaces arginine 3657 with histidine.
Molecular consequence: missense variant.
Genome position (GRCh38, 1-based): chr6:32,044,674, C>T on the plus strand (G>A on the coding strand, the complement: TNXB is on the minus strand). VCF-style: chr6-32044674-C-T. GRCh37 (hg19) VCF-style: chr6-32012451-C-T.
Other names: p.Arg3655His; c.11711G>A, p.Arg3904His (NM_001428335.1); c.10964G>A, p.Arg3655His (NM_019105.8); c.257G>A, p.Arg86His (NM_032470.4); short protein forms R3655H, R3657H, R3904H, R86H.
Identifiers: ClinVar variation 3379662 (VCV003379662.2).
Genomic context (GRCh38, chr6:32,044,674, plus strand): 5'-GCCTCCCAGTTGAGCCTCAGTGAACTGGTGGTCACGTCAGTCACAGACAGCTGGGACAGG[C>T]GGGGCCTTGACTCCTCTGAGGTCTGACCAGCAGGAGCCAGCCCTGCACGGAGTGGGTGGG-3'
Protein context (NP_001352205.1, residues 3647-3667): AGQTSEESRP[Arg3657His]LSQLSVTDVT